The following is an entry in ClinVar:

NM_003336.4(UBE2A):c.241+14_241+15del

Gene: UBE2A (ubiquitin conjugating enzyme E2 A; plus strand). Cytogenetic location: Xq24.
Variant type: Deletion.
Coding change: c.241+14_241+15del on transcript NM_003336.4 (MANE Select); bases 14 to 15 of the intron after coding-DNA position 241, 2 bases deleted (TT; older notation c.241+14_241+15delTT).
Molecular consequence: intron variant.
Genome position (GRCh38, 1-based): chrX:119,581,610-119,581,611, TT deleted; deleting any 2 consecutive bases within chrX:119,581,608-119,581,611 gives the same sequence; the c. name uses the placement nearest the transcript's 3' end. VCF-style (leftmost placement, unchanged base first): chrX-119581607-CTT-C. GRCh37 (hg19) VCF-style: chrX-118715570-CTT-C.
Other names: c.152-978_152-977del (NM_181762.3); c.142+14_142+15del (NM_001282161.2); c.241+14_241+15delTT (NM_003336.4).
Identifiers: ClinVar variation 4853522 (VCV004853522.1).

ClinVar aggregate classification (germline): Likely benign (1 of 4 stars; one submission).

Submission:

Women's Health and Genetics/Laboratory Corporation of America, LabCorp
Classification: Likely benign. Last evaluated: 2026-05-06. Review status: criteria provided, single submitter. Criteria: LabCorp Variant Classification Summary - May 2015. Collection method: clinical testing. Allele origin: germline.
Comment: Variant summary: UBE2A c.241+14_241+15delTT alters a nucleotide located at a position not widely known to affect splicing. Consensus agreement among computation tools predict no significant impact on normal splicing. However, these predictions have yet to be confirmed by functional studies. The variant was absent in 182645 control chromosomes. The available data on variant occurrences in the general population are insufficient to allow any conclusion about variant significance. To our knowledge, no occurrence of c.241+14_241+15delTT in individuals affected with UBE2A-related conditions and no experimental evidence demonstrating its impact on protein function have been reported. No submitters have cited clinical-significance assessments for this variant to ClinVar. Based on the evidence outlined above, the variant was classified as likely benign.